The following is an entry in ClinVar:

NM_207352.4(CYP4V2):c.350A>C (p.Gln117Pro)

Gene: CYP4V2 (cytochrome P450 family 4 subfamily V member 2; plus strand). Cytogenetic location: 4q35.1.
Variant type: single nucleotide variant.
Coding change: c.350A>C on transcript NM_207352.4 (MANE Select); coding-DNA position 350, A replaced by C.
Protein change: p.Gln117Pro; replaces glutamine 117 with proline.
Molecular consequence: missense variant.
Genome position (GRCh38, 1-based): chr4:186,196,025, A>C. VCF-style: chr4-186196025-A-C. GRCh37 (hg19) VCF-style: chr4-187117179-A-C.
Other names: short protein forms Q117P.
Identifiers: ClinVar variation 1021205 (VCV001021205.8), dbSNP rs1257667947, ClinGen allele CA358947088.
Genomic context (GRCh38, chr4:186,196,025, plus strand): 5'-GTCTGTATGTCTCTAAAGTATGTTTTTCTCTTCCTAAGGTAATTTTAACTAGTTCAAAGC[A>C]AATTGACAAATCCTCTATGTACAAGTTTTTAGAACCATGGCTTGGCCTAGGACTTCTTAC-3'
Protein context (NP_997235.3, residues 107-127): NVEVILTSSK[Gln117Pro]IDKSSMYKFL

ClinVar aggregate classification (germline): Uncertain significance (1 of 4 stars; one submission).

Allele frequency attached by ClinVar (database versions not stated): gnomAD exomes below 0.00001; TOPMed below 0.00001.
gnomAD v4.1: 1 of 1,614,004 alleles (0.000062%); highest among the groups gnomAD compares: Non-Finnish European, 0.000085%; no homozygotes.

Submission:

Labcorp Genetics (formerly Invitae), Labcorp
Classification: Uncertain significance. Last evaluated: 2022-02-24. Review status: criteria provided, single submitter. Criteria: Invitae Variant Classification Sherloc (09022015). Collection method: clinical testing. Allele origin: germline.
Comment: In summary, the available evidence is currently insufficient to determine the role of this variant in disease. Therefore, it has been classified as a Variant of Uncertain Significance. Advanced modeling of protein sequence and biophysical properties (such as structural, functional, and spatial information, amino acid conservation, physicochemical variation, residue mobility, and thermodynamic stability) performed at Invitae indicates that this missense variant is expected to disrupt CYP4V2 protein function. ClinVar contains an entry for this variant (Variation ID: 1021205). This variant has not been reported in the literature in individuals affected with CYP4V2-related conditions. This variant is not present in population databases (gnomAD no frequency). This sequence change replaces glutamine, which is neutral and polar, with proline, which is neutral and non-polar, at codon 117 of the CYP4V2 protein (p.Gln117Pro).